The following is an entry in ClinVar:

NM_000094.4(COL7A1):c.3602G>A (p.Arg1201His)

Gene: COL7A1 (collagen type VII alpha 1 chain; minus strand). Cytogenetic location: 3p21.31.
Variant type: single nucleotide variant.
Coding change: c.3602G>A on transcript NM_000094.4 (MANE Select); coding-DNA position 3602, G replaced by A.
Protein change: p.Arg1201His; replaces arginine 1201 with histidine.
Molecular consequence: missense variant.
Genome position (GRCh38, 1-based): chr3:48,586,195, C>T on the plus strand (G>A on the coding strand, the complement: COL7A1 is on the minus strand). VCF-style: chr3-48586195-C-T. GRCh37 (hg19) VCF-style: chr3-48623628-C-T.
Other names: short protein forms R1201H.
Identifiers: ClinVar variation 1433841 (VCV001433841.4), dbSNP rs189206728, ClinGen allele CA2380469.
Genomic context (GRCh38, chr3:48,586,195, plus strand): 5'-CTTGGCCCATCATCCACGGCGAAGAAGGTCTGGACAGAGTCCATACCCGGCGCCAAGCGA[C>T]GCAGCTGCTCTGGGTCCGCTCCAGCCATTCCCAACATCACCACATTAAGCCCTAAGGTGG-3'
Protein context (NP_000085.1, residues 1191-1211): GMAGADPEQL[Arg1201His]RLAPGMDSVQ

ClinVar aggregate classification (germline): Uncertain significance. Review status: criteria provided, multiple submitters, no conflicts (2 of 4 stars). 2 submissions from 2 submitters: Uncertain significance (2). Last evaluated 2021-12-04.

Conditions:
Epidermolysis bullosa pruriginosa. Also called: DEB, PRURIGINOSA; DYSTROPHIC EPIDERMOLYSIS BULLOSA PRURIGINOSA. Identifiers: Orphanet 89843, MedGen C1275114, MONDO:0011398, OMIM 604129.
Generalized dominant dystrophic epidermolysis bullosa (DDEB). Also called: Dominant DEB (DDEB); DDEB, generalized; DDEB-gen; DYSTROPHIC EPIDERMOLYSIS BULLOSA, AUTOSOMAL DOMINANT; Epidermolysis bullosa dystrophica, autosomal dominant. Identifiers: Orphanet 231568, MedGen C0432322, MONDO:0007549, OMIM 131750.
Recessive dystrophic epidermolysis bullosa (RDEB). Also called: epidermolysis bullosa dystrophica, autosomal recessive; Recessive DEB (RDEB); DYSTROPHIC EPIDERMOLYSIS BULLOSA, AUTOSOMAL RECESSIVE; EPIDERMOLYSIS BULLOSA DYSTROPHICA, HALLOPEAU-SIEMENS TYPE; severe generalized recessive dystrophic epidermolysis bullosa; Epidermolysis Bullosa Distrophica Autosomal Recessive (RDEB). Identifiers: Orphanet 79408, Orphanet 79409, MedGen C0079474, MONDO:0009179, OMIM 226600.
Nonsyndromic congenital nail disorder 8. Also called: TOENAIL DYSTROPHY, ISOLATED. Identifiers: MedGen C1843761, MONDO:0011852, OMIM 607523.
Pretibial dystrophic epidermolysis bullosa. Also called: EPIDERMOLYSIS BULLOSA DYSTROPHICA, PRETIBIAL; Pretibial blistering; Pretibial epidermolysis bullosa. Identifiers: Orphanet 79410, MedGen C0432321, MONDO:0007552, OMIM 131850, HP:0012221.
Dominant dystrophic epidermolysis bullosa with absence of skin. Also called: EPIDERMOLYSIS BULLOSA DYSTROPHICA, BART TYPE; EPIDERMOLYSIS BULLOSA WITH CONGENITAL LOCALIZED ABSENCE OF SKIN AND DEFORMITY OF NAILS. Identifiers: MedGen C0268371, MONDO:0007557, OMIM 132000.
Transient bullous dermolysis of the newborn (TBDN). Also called: EPIDERMOLYSIS BULLOSA DYSTROPHICA, NEONATAL FORM; DYSTROPHIC EPIDERMOLYSIS BULLOSA, NEONATAL. Identifiers: Orphanet 79411, MedGen C1851573, MONDO:0007548, OMIM 131705.

Allele frequency attached by ClinVar (database versions not stated): gnomAD exomes 0.00001 and 0.00002; ExAC 0.00002; gnomAD 0.00002 and 0.00003; TOPMed 0.00002; 1000 Genomes Project 30x 0.00016.

Submissions (2):

Labcorp Genetics (formerly Invitae), Labcorp
Classification: Uncertain significance. Last evaluated: 2021-12-04. Review status: criteria provided, single submitter. Criteria: Invitae Variant Classification Sherloc (09022015). Collection method: clinical testing. Allele origin: germline.
Comment: This sequence change replaces arginine, which is basic and polar, with histidine, which is basic and polar, at codon 1201 of the COL7A1 protein (p.Arg1201His). This variant is present in population databases (rs189206728, gnomAD 0.006%). This variant has not been reported in the literature in individuals affected with COL7A1-related conditions. Advanced modeling of protein sequence and biophysical properties (such as structural, functional, and spatial information, amino acid conservation, physicochemical variation, residue mobility, and thermodynamic stability) performed at Invitae indicates that this missense variant is expected to disrupt COL7A1 protein function. In summary, the available evidence is currently insufficient to determine the role of this variant in disease. Therefore, it has been classified as a Variant of Uncertain Significance.

Fulgent Genetics
Classification: Uncertain significance for Transient bullous dermolysis of the newborn; Generalized dominant dystrophic epidermolysis bullosa; Pretibial dystrophic epidermolysis bullosa; Dominant dystrophic epidermolysis bullosa with absence of skin; Recessive dystrophic epidermolysis bullosa; Epidermolysis bullosa pruriginosa; Nonsyndromic congenital nail disorder 8. Last evaluated: 2021-07-25. Review status: criteria provided, single submitter. Criteria: ACMG Guidelines, 2015. Collection method: clinical testing. Allele origin: unknown.